The following is an entry in ClinVar:

ClinVar aggregate classification (germline): Uncertain significance (1 of 4 stars; one submission).

Conditions:
Desmin-related myofibrillar myopathy (MFM1). Also called: Myofibrillar myopathy 1; Desminopathy; Desmin related myopathy (former name); Desmin storage myopathy (former name); MYOFIBRILLAR MYOPATHY WITH ARRHYTHMOGENIC RIGHT VENTRICULAR CARDIOMYOPATHY; DESMIN-RELATED MYOPATHY WITH ARRHYTHMOGENIC RIGHT VENTRICULAR CARDIOMYOPATHY. Identifiers: Orphanet 363543, Orphanet 98909, MedGen C1832370, MONDO:0011076, OMIM 601419.

Submission:

Labcorp Genetics (formerly Invitae), Labcorp
Classification: Uncertain significance for Desmin-related myofibrillar myopathy. Last evaluated: 2016-02-27. Review status: criteria provided, single submitter. Criteria: Invitae Variant Classification Sherloc (09022015). Collection method: clinical testing. Allele origin: germline.
Comment: Algorithms developed to predict the effect of missense changes on protein structure and function (SIFT, PolyPhen-2, Align-GVGD) all suggest that this variant is likely to be tolerated, but these predictions have not been confirmed by published functional studies. In summary, this variant is a novel missense change that is not predicted to affect protein function. There is no indication that it causes disease, but the available evidence is currently insufficient to prove that conclusively. Therefore, it has been classified as a Variant of Uncertain Significance. This variant is not present in population databases (ExAC no frequency) and has not been reported in the literature in individuals with a DES-related disease. This sequence change replaces arginine with leucine at codon 73 of the DES protein (p.Arg73Leu). The arginine residue is moderately conserved and there is a moderate physicochemical difference between arginine and leucine.

NM_001927.4(DES):c.218G>T (p.Arg73Leu)

Gene: DES (desmin; plus strand). Cytogenetic location: 2q35.
Variant type: single nucleotide variant.
Coding change: c.218G>T on transcript NM_001927.4 (MANE Select); coding-DNA position 218, G replaced by T.
Protein change: p.Arg73Leu; replaces arginine 73 with leucine.
Molecular consequence: missense variant.
Genome position (GRCh38, 1-based): chr2:219,418,680, G>T. VCF-style: chr2-219418680-G-T. GRCh37 (hg19) VCF-style: chr2-220283402-G-T.
Other names: c.218G>T (LRG_380t1); short protein forms R73L.
Identifiers: ClinVar variation 239075 (VCV000239075.7), dbSNP rs752518966, ClinGen allele CA10581946.